The following is an entry in ClinVar:

NM_004924.6(ACTN4):c.1098C>T (p.Leu366=)

Gene: ACTN4 (actinin alpha 4; plus strand). Cytogenetic location: 19q13.2.
Variant type: single nucleotide variant.
Coding change: c.1098C>T on transcript NM_004924.6 (MANE Select); coding-DNA position 1098, C replaced by T.
Protein change: p.Leu366=; no amino-acid change (leucine 366 retained).
Molecular consequence: synonymous variant.
Genome position (GRCh38, 1-based): chr19:38,717,271, C>T. VCF-style: chr19-38717271-C-T. GRCh37 (hg19) VCF-style: chr19-39207911-C-T.
Other names: c.1098C>T, p.Leu366= (NM_001322033.2, NM_001411143.1).
Identifiers: ClinVar variation 3036912 (VCV003036912.2), dbSNP rs554917767, ClinGen allele CA9417519.

ClinVar aggregate classification (germline): Likely benign (0 of 4 stars; one submission).

Conditions:
ACTN4-related disorder. Also called: ACTN4-related condition.

Allele frequency attached by ClinVar (database versions not stated): gnomAD exomes 0.00001; ExAC 0.00002; gnomAD 0.00005; TOPMed 0.00005; 1000 Genomes Project 30x 0.00031; 1000 Genomes Project 0.00040.
gnomAD v4.1: 16 of 1,614,048 alleles (0.00099%); highest among the groups gnomAD compares: African/African-American, 0.02%; no homozygotes.

Submission:

PreventionGenetics, part of Exact Sciences
Classification: Likely benign for ACTN4-related condition. Last evaluated: 2022-05-25. Review status: no assertion criteria provided. Collection method: clinical testing. Allele origin: germline.
Comment: This variant is classified as likely benign based on ACMG/AMP sequence variant interpretation guidelines (Richards et al. 2015 PMID: 25741868, with internal and published modifications).